The following is an entry in ClinVar:

NM_001042492.3(NF1):c.3685A>T (p.Asn1229Tyr)

Gene: NF1 (neurofibromin 1; plus strand). Cytogenetic location: 17q11.2.
Variant type: single nucleotide variant.
Coding change: c.3685A>T on transcript NM_001042492.3 (MANE Select); coding-DNA position 3685, A replaced by T.
Protein change: p.Asn1229Tyr; replaces asparagine 1229 with tyrosine.
Molecular consequence: missense variant.
Genome position (GRCh38, 1-based): chr17:31,233,190, A>T. VCF-style: chr17-31233190-A-T. GRCh37 (hg19) VCF-style: chr17-29560208-A-T.
Other names: c.3685A>T, p.Asn1229Tyr (NM_000267.4); short protein forms N1229Y.
Identifiers: ClinVar variation 527569 (VCV000527569.11), dbSNP rs1555615102, ClinGen allele CA398990644.

ClinVar aggregate classification (germline): Uncertain significance. Review status: criteria provided, multiple submitters, no conflicts (2 of 4 stars). 4 submissions from 4 submitters: Uncertain significance (4). Last evaluated 2025-09-30.

Conditions:
Cardiovascular phenotype. Identifiers: MedGen CN230736.
Hereditary cancer-predisposing syndrome. Also called: Neoplastic Syndromes, Hereditary; Tumor predisposition; Hereditary neoplastic syndrome; Hereditary Cancer Syndrome. Identifiers: Orphanet 140162, MedGen C0027672, MeSH D009386, MONDO:0015356.
Neurofibromatosis, type 1 (NF1). Also called: VON RECKLINGHAUSEN DISEASE; NEUROFIBROMATOSIS, TYPE I, SOMATIC; Peripheral type neurofibromatosis; Neurofibromatosis, type I. Identifiers: Orphanet 636, MedGen C0027831, MONDO:0018975, OMIM 162200. Disease mechanism: loss of function.
Juvenile myelomonocytic leukemia (JMML). Also called: LEUKEMIA, JUVENILE MYELOMONOCYTIC, SOMATIC. Identifiers: Orphanet 86834, MedGen C0349639, MONDO:0011908, OMIM 607785, HP:0012209.

Allele frequency attached by ClinVar (database versions not stated): TOPMed 0.00001.

Submissions (4):

Quest Diagnostics Nichols Institute San Juan Capistrano
Classification: Uncertain significance. Last evaluated: 2025-09-30. Review status: criteria provided, single submitter. Criteria: Quest Diagnostics criteria. Collection method: clinical testing. Allele origin: unknown.

Ambry Genetics
Classification: Uncertain significance for Cardiovascular phenotype; Hereditary cancer-predisposing syndrome. Last evaluated: 2025-04-14. Review status: criteria provided, single submitter. Criteria: Ambry Variant Classification Scheme 2023. Collection method: clinical testing. Allele origin: germline.
Comment: The p.N1229Y variant (also known as c.3685A>T), located in coding exon 27 of the NF1 gene, results from an A to T substitution at nucleotide position 3685. The asparagine at codon 1229 is replaced by tyrosine, an amino acid with dissimilar properties. This amino acid position is highly conserved in available vertebrate species. In addition, this alteration is predicted to be deleterious by in silico analysis. Based on the available evidence, the clinical significance of this variant remains unclear.

Baylor Genetics
Classification: Uncertain significance for Juvenile myelomonocytic leukemia. Last evaluated: 2024-03-04. Review status: criteria provided, single submitter. Criteria: ACMG Guidelines, 2015. Collection method: clinical testing. Allele origin: unknown.

Labcorp Genetics (formerly Invitae), Labcorp
Classification: Uncertain significance for Neurofibromatosis, type 1. Last evaluated: 2017-11-18. Review status: criteria provided, single submitter. Criteria: Invitae Variant Classification Sherloc (09022015). Collection method: clinical testing. Allele origin: germline.
Comment: In summary, the available evidence is currently insufficient to determine the role of this variant in disease. Therefore, it has been classified as a Variant of Uncertain Significance. Algorithms developed to predict the effect of missense changes on protein structure and function do not agree on the potential impact of this missense change (SIFT: "Deleterious"; PolyPhen-2: "Possibly Damaging"; Align-GVGD: "Class C0"). This variant has not been reported in the literature in individuals with NF1-related disease. This variant is not present in population databases (ExAC no frequency). This sequence change replaces asparagine with tyrosine at codon 1229 of the NF1 protein (p.Asn1229Tyr). The asparagine residue is moderately conserved and there is a large physicochemical difference between asparagine and tyrosine.